The following is an entry in ClinVar:

ClinVar aggregate classification (germline): Uncertain significance (1 of 4 stars; one submission).

Conditions:
Breast-ovarian cancer, familial, susceptibility to, 4. Identifiers: Orphanet 145, MedGen C3280345, MONDO:0013669, OMIM 614291.

Submission:

Labcorp Genetics (formerly Invitae), Labcorp
Classification: Uncertain significance for Breast-ovarian cancer, familial, susceptibility to, 4. Last evaluated: 2018-03-03. Review status: criteria provided, single submitter. Criteria: Invitae Variant Classification Sherloc (09022015). Collection method: clinical testing. Allele origin: germline.
Comment: In summary, the available evidence is currently insufficient to determine the role of this variant in disease. Therefore, it has been classified as a Variant of Uncertain Significance. Algorithms developed to predict the effect of missense changes on protein structure and function (SIFT, PolyPhen-2, Align-GVGD) all suggest that this variant is likely to be tolerated, but these predictions have not been confirmed by published functional studies and their clinical significance is uncertain. This variant has not been reported in the literature in individuals with RAD51D-related disease. This variant is not present in population databases (ExAC no frequency). This sequence change replaces glycine with serine at codon 195 of the RAD51D protein (p.Gly195Ser). The glycine residue is weakly conserved and there is a small physicochemical difference between glycine and serine.

NM_002878.4(RAD51D):c.583G>A (p.Gly195Ser)

Genes: RAD51D (RAD51 paralog D; minus strand), RAD51L3-RFFL (RAD51L3-RFFL readthrough; minus strand). Cytogenetic location: 17q12.
Variant type: single nucleotide variant.
Coding change: c.583G>A on transcript NM_002878.4 (MANE Select); coding-DNA position 583, G replaced by A.
Protein change: p.Gly195Ser; replaces glycine 195 with serine.
Molecular consequence: missense variant. On other transcripts: non-coding transcript variant (3).
Genome position (GRCh38, 1-based): chr17:35,103,538, C>T on the plus strand (G>A on the coding strand, the complement: RAD51D is on the minus strand). VCF-style: chr17-35103538-C-T. GRCh37 (hg19) VCF-style: chr17-33430557-C-T.
Other names: c.643G>A, p.Gly215Ser (NM_001142571.2); c.247G>A, p.Gly83Ser (NM_133629.3); short protein forms G195S, G215S, G83S.
Identifiers: ClinVar variation 567812 (VCV000567812.5), dbSNP rs1567726625, ClinGen allele CA399087988.